The following continues an entry in ClinVar:

NM_002667.5(PLN):c.37AGA[1] (p.Arg14del)

ClinVar aggregate classification (germline): Pathogenic. Pathogenic (19).

Submissions 10 to 24 of 24:

Illumina Laboratory Services, Illumina
Classification: Pathogenic. Last evaluated: 2022-09-13. Review status: criteria provided, single submitter. Criteria: ICSL CNVClassificationCriteria Aug2020. Collection method: clinical testing. Allele origin: unknown. Affected: yes.
Comment: The PLN c.40_42del (p.Arg14del) variant results in the deletion of three nucleotides starting at position c.40 and ending at position c.42, causing an in-frame deletion of the arginine residue at position 14 in the protein. This variant has been reported as a Dutch founder variant and is observed in 10-15% of Dutch patients with either dilated or arrhythmogenic right ventricular cardiomyopathy (PMID: 22820313; PMID: 23568436). Across a selection of the available literature, the c.40_42del variant has been identified in a heterozygous state in more than one hundred patients with cardiomyopathy, including in families where it segregated with disease (PMID: 16432188; PMID: 17010801; PMID: 22820313; PMID: 23568436; PMID: 25700660). Clinical evaluation of 52 Dutch patients carrying this variant showed that the mean age of onset of symptoms was 44.3 ± 12.6 years, with most patients presenting with ventricular tachycardia/fibrillation, heart failure, or syncope (PMID: 22820313). Additionally, patients specifically diagnosed with dilated cardiomyopathy who carried this variant were found to have a significantly higher family history of sudden cardiac death before the age of 50 years compared to patients who did not carry this variant (PMID: 22820313). In-vitro cell culture-based functional studies have shown that this variant results in the inhibition of SERCA, which is an important ATP-dependent calcium pump in the sarcoplasmic reticulum, and in-vivo studies have shown that transgenic mice that express this variant in the heart recapitulate the human cardiac phenotype (PMID: 16432188; PMID: 22155237; PMID: 22427649). This variant is reported in the Genome Aggregation Database in two alleles at a frequency of 0.000029 in the European (non-Finnish) population (version 3.1.2). Based on the available evidence, the c.40_42del (p.Arg14del) variant is classified as pathogenic for intrinsic cardiomyopathy.

Mayo Clinic Laboratories, Mayo Clinic
Classification: Pathogenic. Last evaluated: 2022-06-21. Review status: criteria provided, single submitter. Criteria: ACMG Guidelines, 2015. Collection method: clinical testing. Allele origin: germline. Observed: 6 variant alleles.

GeneDx
Classification: Pathogenic. Last evaluated: 2022-03-28. Review status: criteria provided, single submitter. Criteria: GeneDx Variant Classification Process June 2021. Collection method: clinical testing. Allele origin: germline. Affected: yes.
Comment: Results in an in-frame deletion of 1 amino acid in a non-repeat region; Transgenic mice harboring this variant exhibited features similar to the human phenotype with abnormal heart histopathology and premature death (Haghighi et al., 2006; Haghighi et al., 2012). An in vitro functional study reported that R14del is a partial inhibitor of the sarcoplasmic reticulum calcium pump, and that it inhibits the phospholamban-protein kinase A interaction (Ceholski et al., 2012).; Not observed at significant frequency in large population cohorts (gnomAD); In silico analysis supports a deleterious effect on protein structure/function; This variant is associated with the following publications: (PMID: 24732829, 24909667, 23785128, 25923014, 29750433, 30830208, 31402444, 22427649, 22707725, 25775607, 23270881, 22820313, 16432188, 26970417, 27450564, 25700660, 27532257, 19324307, 22155237, 23568436, 17010801, 29635323, 29447731, 30763825, 30547415, 31152552, 30847666, 32555305, 29544605, 29253866, 33662488, 33673806, 32880476, 34135346, 33998164)

Robert's Program, Boston Children's Hospital
Classification: Pathogenic for SUDDEN INFANT DEATH SYNDROME. Last evaluated: 2021-10-01. Review status: criteria provided, single submitter. Criteria: ACMG Guidelines, 2015. Collection method: research. Allele origin: germline. Affected: yes.
Comment: We classify this variant as pathogenic using the following ACMG/AMP criteria: PS3, PM4, PP1, PP5

Centre for Mendelian Genomics, University Medical Centre Ljubljana
Classification: Pathogenic for Hypertrophic cardiomyopathy 18. Last evaluated: 2018-10-31. Review status: criteria provided, single submitter. Criteria: ACMG Guidelines, 2015. Collection method: clinical testing. Allele origin: unknown. Affected: yes.
Comment: This variant was classified as: Pathogenic. The following ACMG criteria were applied in classifying this variant: PS1,PS3,PM4.

Laboratory for Molecular Medicine, Mass General Brigham Personalized Medicine
Classification: Pathogenic for Primary dilated cardiomyopathy. Last evaluated: 2013-08-19. Review status: criteria provided, single submitter. Criteria: LMM Criteria. Collection method: clinical testing. Allele origin: germline. Inheritance: Autosomal dominant inheritance. Observed: 6 variant alleles.
Comment: The p.Arg14del variant in PLN has been identified in >50 individuals with DCM an d >10 individuals with ARVC, and was found to segregate with disease in at least >10 affected relatives with DCM (DeWitt 2006, Haghighi 2006, Posch 2009, van de r Zwagg 2012). Multiple functional studies, including mouse models, all support that the Arg14del variant impacts protein function (Haghighi 2006, Ceholski 2012 a, Ceholski 2012b, Haghighi 2012). In summary, the p.Arg14del variant meets our criteria for pathogenicity ba sed on segregation and functional evidence.

Stanford Center for Inherited Cardiovascular Disease, Stanford University
Classification: Pathogenic. Last evaluated: 2013-02-08. Review status: criteria provided, single submitter. Criteria: ACMG Guidelines, 2015. Collection method: provider interpretation. Allele origin: germline.

Juno Genomics, Hangzhou Juno Genomics, Inc
Classification: Pathogenic for Dilated cardiomyopathy 1P. Review status: criteria provided, single submitter. Criteria: ACMG Guidelines, 2015. Collection method: clinical testing. Allele origin: germline.
Comment: Absent from controls (or at extremely low frequency if recessive) in Genome Aggregation Database.;Protein length changes due to in-frame deletions/insertions in a non-repeat region or stop-loss variants.;The prevalence of the variant in affected individuals is significantly increased compared to the prevalence in controls.;Co-segregation with disease in multiple affected family members.

KTest Genetics, KTest
Classification: Pathogenic for Dilated cardiomyopathy 1P. Review status: criteria provided, single submitter. Criteria: ACMG Guidelines, 2015. Collection method: clinical testing. Allele origin: germline. Affected: yes.

Lifecell International Pvt. Ltd
Classification: Pathogenic for Dilated cardiomyopathy 1P. Review status: criteria provided, single submitter. Criteria: ACMG Guidelines, 2015. Collection method: clinical testing. Allele origin: germline. Affected: yes. Observed: 1 homozygote.
Comment: A Homozygote Inframe indel variant c.36_38delAAG in Exon 2 of the PLN gene that results in the amino acid substitution p.Arg13del was identified. The observed variant has a minor allele frequency of 0.00000/0.00003% in gnomAD exomes and genomes, respectively. The severity of the impact of this variant on the protein is medium, based on the effect of the protein and REVEL score. Rare Exome Variant Ensemble Learner (REVEL) is an ensembl method for predicting the pathogenicity of missense variants based on a combination of scores from 13 individual tools: MutPred, FATHMM v2.3, VEST 3.0, PolyPhen-2, SIFT, PROVEAN, MutationAssessor, MutationTaster, LRT, GERP++, SiPhy, phyloP, and phastCons. The REVEL score for an individual missense variant can range from 0 to 1, with higher scores reflecting greater likelihood that the variant is disease-causing. ClinVar has also classified this variant as Pathogenic (Variant ID: 44580),.The observed variant has previously been reported in the patient affected with cardiomyopathy (Haghighi K et.al 2006). Based on the above evidence this variant has been classified as Pathogenic according to the ACMG guidelines.

Institut für Laboratoriums- und Transfusionsmedizin, Herz- und Diabeteszentrum Nordrhein-Westfalen
Classification: Pathogenic for Arrhythmogenic right ventricular dysplasia 9. Last evaluated: 2016-05-01. Review status: no assertion criteria provided. Collection method: clinical testing. Allele origin: inherited. Affected: yes. Observed: 2 variant alleles. Not counted in ClinVar's aggregate classification.

OMIM
Classification: Pathogenic for CARDIOMYOPATHY, DILATED, 1P. Last evaluated: 2006-01-31. Review status: no assertion criteria provided. Collection method: literature only. Allele origin: germline. Not counted in ClinVar's aggregate classification.

Diagnostic Laboratory, Department of Genetics, University Medical Center Groningen
Classification: Pathogenic. Review status: no assertion criteria provided. Collection method: clinical testing. Allele origin: germline. Affected: yes. Study: VKGL Data-share Consensus. Not counted in ClinVar's aggregate classification.

Genome Diagnostics Laboratory, University Medical Center Utrecht
Classification: Pathogenic. Review status: no assertion criteria provided. Collection method: clinical testing. Allele origin: germline. Affected: yes. Study: VKGL Data-share Consensus. Not counted in ClinVar's aggregate classification.

Genetics and Genomics Program, Sidra Medicine
Classification: Uncertain significance for Primary dilated cardiomyopathy. Review status: flagged submission. Criteria: ACMG Guidelines, 2015. Collection method: research. Allele origin: unknown. Affected: yes. Observed: 1 variant allele. Not counted in ClinVar's aggregate classification.
ClinVar note: Reason: Outlier claim with insufficient supporting evidence

Literature cited by the submitters: PubMed 16432188 (cited by 11 submitters); PubMed 22820313 (cited by 9 submitters); PubMed 23568436 (cited by 7 submitters); PubMed 22155237 (cited by 8 submitters); PubMed 22707725 (cited by 6 submitters); PubMed 17010801 (cited by 4 submitters); PubMed 19324307 (cited by Ambry Genetics and Laboratory for Molecular Medicine, Mass General Brigham Personalized Medicine); PubMed 22427649 (cited by 4 submitters); PubMed 23349452 (cited by Ambry Genetics and North West Genomic Laboratory Hub, Manchester University NHS Foundation Trust); PubMed 23785128 (cited by Ambry Genetics and North West Genomic Laboratory Hub, Manchester University NHS Foundation Trust); PubMed 23871674 (cited by Ambry Genetics); PubMed 24503780 (cited by Ambry Genetics); PubMed 24732829 (cited by Ambry Genetics and North West Genomic Laboratory Hub, Manchester University NHS Foundation Trust); PubMed 24909667 (cited by Ambry Genetics and North West Genomic Laboratory Hub, Manchester University NHS Foundation Trust); PubMed 25157032 (cited by Ambry Genetics); PubMed 25700660 (cited by 3 submitters); PubMed 25775607 (cited by Ambry Genetics and North West Genomic Laboratory Hub, Manchester University NHS Foundation Trust); PubMed 25923014 (cited by Ambry Genetics); PubMed 26970417 (cited by Ambry Genetics); PubMed 27450564 (cited by 3 submitters); PubMed 27532257 (cited by Ambry Genetics and North West Genomic Laboratory Hub, Manchester University NHS Foundation Trust); PubMed 28759816 (cited by Ambry Genetics); PubMed 29447731 (cited by Ambry Genetics); PubMed 23270881 (cited by North West Genomic Laboratory Hub, Manchester University NHS Foundation Trust); PubMed 32555305 (cited by Mayo Clinic Laboratories, Mayo Clinic).